The following is an entry in ClinVar:

ClinVar aggregate classification (germline): Conflicting classifications of pathogenicity. Review status: criteria provided, conflicting classifications (1 of 4 stars). 19 submissions from 15 submitters: Uncertain significance (6); Benign (6); Likely benign (4). 3 of the submissions do not count toward it. Last evaluated 2026-02-01.

Conditions:
TTN-related disorder. Also called: TTN-related disorders; TTN-related condition; TTN-related disease.
Cardiovascular phenotype. Identifiers: MedGen CN230736.
Dilated cardiomyopathy 1G (CMD1G). Identifiers: Orphanet 154, MedGen C1858763, MONDO:0011400, OMIM 604145.
Autosomal recessive limb-girdle muscular dystrophy type 2J (LGMDR10). Also called: Limb-girdle muscular dystrophy, type 2J; MUSCULAR DYSTROPHY, LIMB-GIRDLE, AUTOSOMAL RECESSIVE 10. Identifiers: Orphanet 140922, MedGen C1837342, MONDO:0012127, OMIM 608807.
Cardiomyopathy (CMYO). Also called: Cardiomyopathies. Identifiers: Orphanet 167848, MedGen C0878544, MONDO:0004994, HP:0001638. Inheritance: Various modes of inheritance.
Myopathy, myofibrillar, 9, with early respiratory failure (MFM9). Also called: Hereditary myopathy with early respiratory failure; MYOPATHY, PROXIMAL, WITH EARLY RESPIRATORY MUSCLE INVOLVEMENT; EDSTROM MYOPATHY; Myopathy, distal, with early respiratory failure, autosomal dominant. Identifiers: Orphanet 178464, Orphanet 34521, MedGen C1863599, MONDO:0011362, OMIM 603689.
Early-onset myopathy with fatal cardiomyopathy (CMYO5). Also called: CONGENITAL MYOPATHY 5 WITH CARDIOMYOPATHY; Salih Myopathy. Identifiers: Orphanet 289377, MedGen C2673677, MONDO:0012714, OMIM 611705. Disease mechanism: loss of function.
Primary dilated cardiomyopathy (DCM). Also called: Dilated Cardiomyopathy. Identifiers: Orphanet 217604, MedGen C0007193, MeSH D002311, MONDO:0005021, HP:0001644. Inheritance: Various modes of inheritance.
Tibial muscular dystrophy (TMD). Also called: UDD MYOPATHY; Tibial muscular dystrophy, tardive; Udd Distal Myopathy – Tibial Muscular Dystrophy. Identifiers: Orphanet 609, MedGen C1838244, MONDO:0010870, OMIM 600334.

Allele frequency attached by ClinVar (database versions not stated): gnomAD 0.00002 and 0.00025; TOPMed 0.00004; ExAC 0.00098; 1000 Genomes Project 30x 0.00141; 1000 Genomes Project 0.00160.
gnomAD v4.1: 647 of 1,613,564 alleles (0.04%); highest among the groups gnomAD compares: South Asian, 0.66%; 5 homozygotes.

Submissions (19):

CeGaT Center for Human Genetics Tuebingen
Classification: Likely benign. Last evaluated: 2026-02-01. Review status: criteria provided, single submitter. Criteria: CeGaT Center For Human Genetics Tuebingen Variant Classification Criteria Version 2. Collection method: clinical testing. Allele origin: germline. Affected: yes. Observed: 2 variant alleles.
Comment: TTN: BP4

Labcorp Genetics (formerly Invitae), Labcorp
Classification: Benign for Dilated cardiomyopathy 1G; Autosomal recessive limb-girdle muscular dystrophy type 2J. Last evaluated: 2026-01-10. Review status: criteria provided, single submitter. Criteria: Invitae Variant Classification Sherloc (09022015). Collection method: clinical testing. Allele origin: germline.

PreventionGenetics, part of Exact Sciences
Classification: Likely benign for TTN-related condition. Last evaluated: 2025-05-25. Review status: criteria provided, single submitter. Criteria: ACMG Guidelines, 2015. Collection method: clinical testing. Allele origin: germline.
Comment: This variant is classified as likely benign based on ACMG/AMP sequence variant interpretation guidelines (Richards et al. 2015 PMID: 25741868, with internal and published modifications).

Blueprint Genetics
Classification: Likely benign. Last evaluated: 2024-11-07. Review status: criteria provided, single submitter. Criteria: ACMG Guidelines, 2015. Collection method: clinical testing. Allele origin: germline.

GeneDx
Classification: Benign. Last evaluated: 2021-02-18. Review status: criteria provided, single submitter. Criteria: GeneDx Variant Classification Process June 2021. Collection method: clinical testing. Allele origin: germline. Affected: yes.

Athena Diagnostics
Classification: Benign. Last evaluated: 2020-02-25. Review status: criteria provided, single submitter. Criteria: Athena Diagnostics Criteria. Collection method: clinical testing. Allele origin: unknown.

CHEO Genetics Diagnostic Laboratory, Children's Hospital of Eastern Ontario
Classification: Benign for Cardiomyopathy. Last evaluated: 2018-02-20. Review status: criteria provided, single submitter. Criteria: ACMG Guidelines, 2015. Collection method: clinical testing. Allele origin: germline.

Illumina Laboratory Services, Illumina
Classification: Uncertain significance for Early-onset myopathy with fatal cardiomyopathy. Last evaluated: 2018-01-12. Review status: criteria provided, single submitter. Criteria: ICSL Variant Classification Criteria 13 December 2019. Collection method: clinical testing. Allele origin: germline.

Illumina Laboratory Services, Illumina
Classification: Uncertain significance for Autosomal recessive limb-girdle muscular dystrophy type 2J. Last evaluated: 2018-01-12. Review status: criteria provided, single submitter. Criteria: ICSL Variant Classification Criteria 13 December 2019. Collection method: clinical testing. Allele origin: germline.

Illumina Laboratory Services, Illumina
Classification: Benign for Tibial muscular dystrophy. Last evaluated: 2018-01-12. Review status: criteria provided, single submitter. Criteria: ICSL Variant Classification Criteria 13 December 2019. Collection method: clinical testing. Allele origin: germline.
Comment: This variant was observed in the ICSL laboratory as part of a predisposition screen in an ostensibly healthy population. It had not been previously curated by ICSL or reported in the Human Gene Mutation Database (HGMD: prior to June 1st, 2018), and was therefore a candidate for classification through an automated scoring system. Utilizing variant allele frequency, disease prevalence and penetrance estimates, and inheritance mode, an automated score was calculated to assess if this variant is too frequent to cause the disease. Based on the score and internal cut-off values, a variant classified as benign is not then subjected to further curation. The score for this variant resulted in a classification of benign for this disease.

Illumina Laboratory Services, Illumina
Classification: Uncertain significance for Dilated cardiomyopathy 1G. Last evaluated: 2018-01-12. Review status: criteria provided, single submitter. Criteria: ICSL Variant Classification Criteria 13 December 2019. Collection method: clinical testing. Allele origin: germline.

Illumina Laboratory Services, Illumina
Classification: Benign for Myopathy, myofibrillar, 9, with early respiratory failure. Last evaluated: 2018-01-12. Review status: criteria provided, single submitter. Criteria: ICSL Variant Classification Criteria 13 December 2019. Collection method: clinical testing. Allele origin: germline.
Comment: the same text as in the submission from Illumina Laboratory Services, Illumina above.

Laboratory for Molecular Medicine, Mass General Brigham Personalized Medicine
Classification: Uncertain significance. Last evaluated: 2014-08-27. Review status: criteria provided, single submitter. Criteria: LMM Criteria. Collection method: clinical testing. Allele origin: germline. Observed: 2 variant alleles.
Comment: Computational prediction tools and conservation analysis do not provide strong support for or against an impact to the protein, though 1 mammal (pika) carries a methionine ( Met; this variant) at this position, raising the possibility that this change ma y be tolerated. In summary, the clinical significance of the Thr24385Met variant is uncertain.

Ambry Genetics
Classification: Uncertain significance for Cardiovascular phenotype. Last evaluated: 2013-11-20. Review status: criteria provided, single submitter. Criteria: Ambry Autosomal Dominant and X-Linked criteria (10/2015). Collection method: clinical testing. Allele origin: germline. Observed: 1 variant allele.
Comment: The p.T24385M variant (also known as c.73154C>T) is located in coding exon 274 of the TTN gene. This alteration results from a C to T substitution at nucleotide position 73154. The threonine at codon 24385 is replaced by methionine, an amino acid with some similar properties. This variant was not reported in population-based cohorts in the following databases: Database of Single Nucleotide Polymorphisms (dbSNP), the 1000 Genomes Project and the NHLBI Exome Sequencing Project (ESP). In the ESP, this variant was not reported in 6002 samples (12004 alleles) with coverage at this position. Based on protein sequence alignment, this amino acid position is well conserved in available vertebrate species, though methionine is the reference amino acid in one species.In addition, this alteration is predicted to be benign by PolyPhen analysis. Since supporting evidence is limited at this time, the clinical significance of this variant remains unclear.

Biesecker Lab/Clinical Genomics Section, National Institutes of Health
Classification: Uncertain significance. Last evaluated: 2013-06-24. Review status: criteria provided, single submitter. Criteria: Ng et al. (Circ Cardiovasc Genet. 2013). Collection method: research. Allele origin: unknown. Observed: 1 variant allele. Study: ClinSeq.
Comment: The study set was not selected for affection status in relation to any cancer. Pathogenicity categories were based on literature curation. See Pubmed ID:23861362 for details.

Medical sequencing

Genetics and Genomics Program, Sidra Medicine
Classification: Likely benign for Primary dilated cardiomyopathy. Review status: criteria provided, single submitter. Criteria: ACMG Guidelines, 2015. Collection method: research. Allele origin: unknown. Affected: yes. Observed: 1 variant allele.

Clinical Genetics DNA and cytogenetics Diagnostics Lab, Erasmus MC, Erasmus Medical Center
Classification: Likely benign. Review status: no assertion criteria provided. Collection method: clinical testing. Allele origin: germline. Affected: yes. Study: VKGL Data-share Consensus. Not counted in ClinVar's aggregate classification.

Clinical Genetics, Academic Medical Center
Classification: Benign. Review status: no assertion criteria provided. Collection method: clinical testing. Allele origin: germline. Affected: yes. Study: VKGL Data-share Consensus. Not counted in ClinVar's aggregate classification.

Laboratory of Diagnostic Genome Analysis, Leiden University Medical Center (LUMC)
Classification: Likely benign. Review status: no assertion criteria provided. Collection method: clinical testing. Allele origin: germline. Affected: yes. Study: VKGL Data-share Consensus. Not counted in ClinVar's aggregate classification.

NM_001267550.2(TTN):c.80858C>T (p.Thr26953Met)

Genes: TTN-AS1 (TTN antisense RNA 1; plus strand), TTN (titin; minus strand). Cytogenetic location: 2q31.2.
Variant type: single nucleotide variant.
Coding change: c.80858C>T on transcript NM_001267550.2 (MANE Select); coding-DNA position 80858, C replaced by T.
Protein change: p.Thr26953Met; replaces threonine 26953 with methionine.
Molecular consequence: missense variant.
Genome position (GRCh38, 1-based): chr2:178,565,274, G>A on the plus strand (C>T on the coding strand, the complement: TTN is on the minus strand). VCF-style: chr2-178565274-G-A. GRCh37 (hg19) VCF-style: chr2-179430001-G-A.
Other names: p.T24385M:ACG>ATG; c.53663C>T, p.Thr17888Met (NM_003319.4); c.54038C>T, p.Thr18013Met (NM_133432.3); c.54239C>T, p.Thr18080Met (NM_133437.4); c.75935C>T, p.Thr25312Met (NM_001256850.1); c.73154C>T, p.Thr24385Met (NM_133378.4); short protein forms T24385M, T26953M, T25312M, T18013M, T18080M, T17888M.
Identifiers: ClinVar variation 179002 (VCV000179002.43), dbSNP rs377506142, ClinGen allele CA183467.
Genomic context (GRCh38, chr2:178,565,274, plus strand): 5'-GGCTTTTCTAAAACGATAACACTGAGATTTTCTGTTGCTGTGCCTGCACTATTTGTTGCC[G>A]TTACGGTGTATTTTCCAAAGTCATCTTTGTTACCTTCTTTAATGTGCAAAACAGTTGAGG-3'
Protein context (NP_001254479.2, residues 26943-26963): NKDDFGKYTV[Thr26953Met]ATNSAGTATE